The following is an entry in ClinVar:

NM_024422.6(DSC2):c.2560G>T (p.Val854Phe)

Gene: DSC2 (desmocollin 2; minus strand). Cytogenetic location: 18q12.1.
Variant type: single nucleotide variant.
Coding change: c.2560G>T on transcript NM_024422.6 (MANE Select); coding-DNA position 2560, G replaced by T.
Protein change: p.Val854Phe; replaces valine 854 with phenylalanine.
Molecular consequence: missense variant. On other transcripts: 3 prime UTR variant (2).
Genome position (GRCh38, 1-based): chr18:31,068,161, C>A on the plus strand (G>T on the coding strand, the complement: DSC2 is on the minus strand). VCF-style: chr18-31068161-C-A. GRCh37 (hg19) VCF-style: chr18-28648127-C-A.
Other names: c.2131G>T, p.Val711Phe (NM_001406506.1); c.*62G>T (NM_001406507.1, NM_004949.5); short protein forms V711F, V854F.
Identifiers: ClinVar variation 4810525 (VCV004810525.1).

ClinVar aggregate classification (germline): Uncertain significance (1 of 4 stars; one submission).

Conditions:
Arrhythmogenic right ventricular dysplasia 11. Also called: ARRHYTHMOGENIC RIGHT VENTRICULAR DYSPLASIA, FAMILIAL, 11; Arrhythmogenic Right Ventricular Dysplasia/Cardiomyopathy11; Arrhythmogenic right ventricular dysplasia 11 with mild palmoplantar keratoderma and woolly hair. Identifiers: MedGen C1864850, MONDO:0012506, OMIM 610476.

Submission:

Labcorp Genetics (formerly Invitae), Labcorp
Classification: Uncertain significance for Arrhythmogenic right ventricular dysplasia 11. Last evaluated: 2025-12-17. Review status: criteria provided, single submitter. Criteria: Invitae Variant Classification Sherloc (09022015). Collection method: clinical testing. Allele origin: germline.
Comment: This sequence change replaces valine, which is neutral and non-polar, with phenylalanine, which is neutral and non-polar, at codon 854 of the DSC2 protein (p.Val854Phe). This variant is not present in population databases (gnomAD no frequency). This variant has not been reported in the literature in individuals affected with DSC2-related conditions. An algorithm developed to predict the effect of missense changes on protein structure and function (PolyPhen-2) suggests that this variant is likely to be disruptive. In summary, the available evidence is currently insufficient to determine the role of this variant in disease. Therefore, it has been classified as a Variant of Uncertain Significance.